The following is an entry in ClinVar:

ClinVar aggregate classification (germline): Conflicting classifications of pathogenicity. Review status: criteria provided, conflicting classifications (1 of 4 stars). 2 submissions from 2 submitters: Uncertain significance (1); Likely benign (1). Last evaluated 2025-10-01.

Conditions:
Hereditary cancer-predisposing syndrome. Also called: Hereditary Cancer Syndrome; Hereditary neoplastic syndrome; Neoplastic Syndromes, Hereditary; Tumor predisposition. Identifiers: Orphanet 140162, MedGen C0027672, MeSH D009386, MONDO:0015356.

Submissions (2):

Labcorp Genetics (formerly Invitae), Labcorp
Classification: Uncertain significance. Last evaluated: 2025-10-01. Review status: criteria provided, single submitter. Criteria: Invitae Variant Classification Sherloc (09022015). Collection method: clinical testing. Allele origin: germline.
Comment: This sequence change replaces phenylalanine, which is neutral and non-polar, with leucine, which is neutral and non-polar, at codon 695 of the POLE protein (p.Phe695Leu). This variant is not present in population databases (gnomAD no frequency). This variant has not been reported in the literature in individuals affected with POLE-related conditions. ClinVar contains an entry for this variant (Variation ID: 405760). Invitae Evidence Modeling of protein sequence and biophysical properties (such as structural, functional, and spatial information, amino acid conservation, physicochemical variation, residue mobility, and thermodynamic stability) indicates that this missense variant is not expected to disrupt POLE protein function with a negative predictive value of 80%. In summary, the available evidence is currently insufficient to determine the role of this variant in disease. Therefore, it has been classified as a Variant of Uncertain Significance.

Ambry Genetics
Classification: Likely benign for Hereditary cancer-predisposing syndrome. Last evaluated: 2025-09-08. Review status: criteria provided, single submitter. Criteria: Ambry Variant Classification Scheme 2023. Collection method: clinical testing. Allele origin: germline.

NM_006231.4(POLE):c.2085C>A (p.Phe695Leu)

Gene: POLE (DNA polymerase epsilon, catalytic subunit; minus strand). Cytogenetic location: 12q24.33.
Variant type: single nucleotide variant.
Coding change: c.2085C>A on transcript NM_006231.4 (MANE Select); coding-DNA position 2085, C replaced by A.
Protein change: p.Phe695Leu; replaces phenylalanine 695 with leucine.
Molecular consequence: missense variant.
Genome position (GRCh38, 1-based): chr12:132,668,444, G>T on the plus strand (C>A on the coding strand, the complement: POLE is on the minus strand). VCF-style: chr12-132668444-G-T. GRCh37 (hg19) VCF-style: chr12-133245030-G-T.
Other names: c.2085C>A (NM_006231.2); short protein forms F695L.
Identifiers: ClinVar variation 405760 (VCV000405760.11), dbSNP rs1060500837, ClinGen allele CA16613620.